The following is an entry in ClinVar:

ClinVar aggregate classification (germline): Pathogenic. Review status: criteria provided, multiple submitters, no conflicts (2 of 4 stars). 5 submissions from 5 submitters: Pathogenic (5). Last evaluated 2026-01-22.

Conditions:
Neurofibromatosis, type 1 (NF1). Also called: VON RECKLINGHAUSEN DISEASE; NEUROFIBROMATOSIS, TYPE I, SOMATIC; Peripheral type neurofibromatosis; Neurofibromatosis, type I. Identifiers: Orphanet 636, MedGen C0027831, MONDO:0018975, OMIM 162200. Disease mechanism: loss of function.
Juvenile myelomonocytic leukemia (JMML). Also called: LEUKEMIA, JUVENILE MYELOMONOCYTIC, SOMATIC. Identifiers: Orphanet 86834, MedGen C0349639, MONDO:0011908, OMIM 607785, HP:0012209.

Submissions (5):

Victorian Clinical Genetics Services, Murdoch Childrens Research Institute
Classification: Pathogenic for Neurofibromatosis, type 1. Last evaluated: 2026-01-22. Review status: criteria provided, single submitter. Criteria: ACMG Guidelines, 2015. Collection method: clinical testing. Allele origin: germline.
Comment: This variant is classified as Pathogenic. Evidence in support of pathogenic classification: Non-canonical splice site variant without proven consequence on splicing (no functional evidence available). This variant has been reported to cause out of frame exon 4 skipping, however supporting data was not available in the literature (PMID: 27322474, 40092932); Variant is absent from gnomAD (v2, v3 and v4); This variant has strong previous evidence of pathogenicity in unrelated individuals. This variant has been classified as pathogenic by clinical laboratories in ClinVar. Additionally, it has been reported in three individuals with neurofibromatosis in the literature (PMID: 27322474, 35885913); Other splice region variants comparable to the one identified in this case have moderate previous evidence for pathogenicity. The c.479+5G>C variant has been classified as likely pathogenic/pathogenic by clinical laboratories in ClinVar. Additionally, the c.479+5G>T variant has been classified as a VUS, and more recently as likely pathogenic by clinical laboratories in ClinVar; Abnormal splicing is predicted by in silico tool and affected nucleotide is highly conserved. Additional information: This variant is heterozygous; This gene is associated with autosomal dominant disease; Loss of function is a known mechanism of disease in this gene and is associated with neurofibromatosis type 1 (MONDO:0018975); Variants in this gene are known to have variable expressivity. Disease manifestations can be extremely variable, even within a family (PMID: 20301288); Inheritance information for this variant is not currently available in this individual.

Labcorp Genetics (formerly Invitae), Labcorp
Classification: Pathogenic for Neurofibromatosis, type 1. Last evaluated: 2025-10-01. Review status: criteria provided, single submitter. Criteria: Invitae Variant Classification Sherloc (09022015). Collection method: clinical testing. Allele origin: germline.
Comment: This sequence change falls in intron 4 of the NF1 gene. It does not directly change the encoded amino acid sequence of the NF1 protein. RNA analysis indicates that this variant induces altered splicing and may result in an absent or altered protein product. This variant is not present in population databases (gnomAD no frequency). This variant has been observed in individuals with neurofibromatosis, type 1 (PMID: 23758643, 27322474). Invitae Evidence Modeling of clinical and family history, age, sex, and reported ancestry of multiple individuals with this NF1 variant has been performed. This variant is expected to be pathogenic with a positive predictive value of at least 99%. This is a validated machine learning model that incorporates the clinical features of 1,785,918 individuals referred to our laboratory for NF1 testing. ClinVar contains an entry for this variant (Variation ID: 565507). Variants that disrupt the consensus splice site are a relatively common cause of aberrant splicing (PMID: 17576681, 9536098). Studies have shown that this variant results in skipping of exon 4, and produces a non-functional protein and/or introduces a premature termination codon (PMID: 23758643, 27322474). For these reasons, this variant has been classified as Pathogenic.

3billion
Classification: Pathogenic for Neurofibromatosis, type 1. Last evaluated: 2025-06-04. Review status: criteria provided, single submitter. Criteria: ACMG Guidelines, 2015. Collection method: clinical testing. Allele origin: germline. Affected: yes.
Comment: The variant is not observed in the gnomAD v4.1.0 dataset. Predicted Consequence/Location: Intron variant In silico tools predict the variant to alter splicing and produce an abnormal transcript [SpliceAI: 0.55 (>=0.2, moderate evidence for spliceogenicity)]. The variant has been observed in at least two similarly affected unrelated individuals (PMID: 27322474). The variant has been previously reported as assumed (i.e. paternity and maternity not confirmed) de novo in at least two similarly affected unrelated individuals (PMID: 27322474). The variant has been reported at least twice as pathogenic without evidence for the classification (ClinVar ID: VCV000565507 /PMID: 23758643). Therefore, this variant is classified as Pathogenic according to the recommendation of ACMG/AMP guideline.

Baylor Genetics
Classification: Pathogenic for Juvenile myelomonocytic leukemia. Last evaluated: 2023-05-06. Review status: criteria provided, single submitter. Criteria: ACMG Guidelines, 2015. Collection method: clinical testing. Allele origin: unknown.

GeneDx
Classification: Pathogenic. Last evaluated: 2023-01-04. Review status: criteria provided, single submitter. Criteria: GeneDx Variant Classification Process June 2021. Collection method: clinical testing. Allele origin: germline. Affected: yes.
Comment: Non-canonical splice site variant demonstrated to cause aberrant splicing and predicted to result in a null allele in a gene for which loss of function is a known mechanism of disease (Evans et al., 2016); Not observed at significant frequency in large population cohorts (gnomAD); This variant is associated with the following publications: (PMID: 23906300, 23758643, 27322474, 35885913)

Literature cited by the submitters: PubMed 27322474 (cited by 3 submitters); PubMed 40092932 (cited by Victorian Clinical Genetics Services, Murdoch Childrens Research Institute); PubMed 20301288 (cited by Victorian Clinical Genetics Services, Murdoch Childrens Research Institute); PubMed 35885913 (cited by Victorian Clinical Genetics Services, Murdoch Childrens Research Institute); PubMed 23758643 (cited by Labcorp Genetics (formerly Invitae), Labcorp and 3billion); PubMed 17576681 (cited by Labcorp Genetics (formerly Invitae), Labcorp); PubMed 9536098 (cited by Labcorp Genetics (formerly Invitae), Labcorp).

NM_001042492.3(NF1):c.479+5G>A

Gene: NF1 (neurofibromin 1; plus strand). Cytogenetic location: 17q11.2.
Variant type: single nucleotide variant.
Coding change: c.479+5G>A on transcript NM_001042492.3 (MANE Select); 5 bases into the intron after coding-DNA position 479, G replaced by A.
Molecular consequence: intron variant.
Genome position (GRCh38, 1-based): chr17:31,163,381, G>A. VCF-style: chr17-31163381-G-A. GRCh37 (hg19) VCF-style: chr17-29490399-G-A.
Other names: c.479+5G>A (NM_000267.4, NM_001128147.3).
Identifiers: ClinVar variation 565507 (VCV000565507.12), dbSNP rs1567818033, ClinGen allele CA891843775.
Genomic context (GRCh38, chr17:31,163,381, plus strand): 5'-TTATTTTCTCTCAGCTGCAACAACTTCAATGCAGTCTTTAGTCGCATTTCTACCAGGTTA[G>A]TGTGTAAATCCACATGGGACTACTGAAGTAATATGAATATTAGAAGTTTTGTTTTTTGTC-3'